The following is an entry in ClinVar:

NM_001042492.3(NF1):c.2023G>T (p.Gly675Ter)

Gene: NF1 (neurofibromin 1; plus strand). Cytogenetic location: 17q11.2.
Variant type: single nucleotide variant.
Coding change: c.2023G>T on transcript NM_001042492.3 (MANE Select); coding-DNA position 2023, G replaced by T.
Protein change: p.Gly675Ter; replaces glycine 675 with a stop codon.
Molecular consequence: nonsense.
Genome position (GRCh38, 1-based): chr17:31,226,456, G>T. VCF-style: chr17-31226456-G-T. GRCh37 (hg19) VCF-style: chr17-29553474-G-T.
Other names: c.2023G>T, p.Gly675Ter (NM_000267.4); short protein forms G675*.
Identifiers: ClinVar variation 1784613 (VCV001784613.7), dbSNP rs779546178, ClinGen allele CA8485909.

ClinVar aggregate classification (germline): Pathogenic. Review status: criteria provided, multiple submitters, no conflicts (2 of 4 stars). 2 submissions from 2 submitters: Pathogenic (2). Last evaluated 2022-09-25.

Conditions:
Hereditary cancer-predisposing syndrome. Also called: Tumor predisposition; Neoplastic Syndromes, Hereditary; Hereditary Cancer Syndrome; Hereditary neoplastic syndrome. Identifiers: Orphanet 140162, MedGen C0027672, MeSH D009386, MONDO:0015356.
Cardiovascular phenotype. Identifiers: MedGen CN230736.
Neurofibromatosis, type 1 (NF1). Also called: VON RECKLINGHAUSEN DISEASE; NEUROFIBROMATOSIS, TYPE I, SOMATIC; Peripheral type neurofibromatosis; Neurofibromatosis, type I. Identifiers: Orphanet 636, MedGen C0027831, MONDO:0018975, OMIM 162200. Disease mechanism: loss of function.

Allele frequency attached by ClinVar (database versions not stated): ExAC 0.00001.

Submissions (2):

Ambry Genetics
Classification: Pathogenic for Cardiovascular phenotype; Hereditary cancer-predisposing syndrome. Last evaluated: 2022-09-25. Review status: criteria provided, single submitter. Criteria: Ambry Variant Classification Scheme 2023. Collection method: clinical testing. Allele origin: germline.
Comment: The p.G675* pathogenic mutation (also known as c.2023G>T), located in coding exon 18 of the NF1 gene, results from a G to T substitution at nucleotide position 2023. This changes the amino acid from a glycine to a stop codon within coding exon 18. This alteration has been observed in at least one individual with a personal and/or family history that is consistent with NF1-related disease (Ambry internal data). This alteration is expected to result in loss of function by premature protein truncation or nonsense-mediated mRNA decay. As such, this alteration is interpreted as a disease-causing mutation.

Labcorp Genetics (formerly Invitae), Labcorp
Classification: Pathogenic for Neurofibromatosis, type 1. Last evaluated: 2022-02-09. Review status: criteria provided, single submitter. Criteria: Invitae Variant Classification Sherloc (09022015). Collection method: clinical testing. Allele origin: germline.
Comment: For these reasons, this variant has been classified as Pathogenic. This variant has not been reported in the literature in individuals affected with NF1-related conditions. The frequency data for this variant in the population databases is considered unreliable, as metrics indicate poor data quality at this position in the gnomAD database. This sequence change creates a premature translational stop signal (p.Gly675*) in the NF1 gene. It is expected to result in an absent or disrupted protein product. Loss-of-function variants in NF1 are known to be pathogenic (PMID: 10712197, 23913538).

Literature cited by the submitters: PubMed 10712197 (cited by Labcorp Genetics (formerly Invitae), Labcorp); PubMed 23913538 (cited by Labcorp Genetics (formerly Invitae), Labcorp).